The following is an entry in ClinVar:

NM_206943.4(LTBP1):c.2419-6A>G

Gene: LTBP1 (latent transforming growth factor beta binding protein 1; plus strand). Cytogenetic location: 2p22.3.
Variant type: single nucleotide variant.
Coding change: c.2419-6A>G on transcript NM_206943.4 (MANE Select); 6 bases into the intron before coding-DNA position 2419, A replaced by G.
Molecular consequence: intron variant.
Genome position (GRCh38, 1-based): chr2:33,262,716, A>G. VCF-style: chr2-33262716-A-G. GRCh37 (hg19) VCF-style: chr2-33487783-A-G.
Other names: c.2260-6A>G (NM_001394905.1); c.1198-6A>G (NM_001394916.1); c.1441-6A>G (NM_000627.4, NM_001394912.1, NM_001166264.2 and 8 more transcripts); c.1357-6A>G (NM_001394915.1, NM_001394914.1, NM_001394907.1); c.1282-6A>G (NM_001166265.2, NM_001166266.2, NM_001394925.1 and 7 more transcripts).
Identifiers: ClinVar variation 3905168 (VCV003905168.10).

ClinVar aggregate classification (germline): Uncertain significance (1 of 4 stars; one submission).

gnomAD v4.1: 31 of 1,511,666 alleles (0.0021%); highest among the groups gnomAD compares: Middle Eastern, 0.052%; no homozygotes.

Submission:

CeGaT Center for Human Genetics Tuebingen
Classification: Uncertain significance. Last evaluated: 2025-05-01. Review status: criteria provided, single submitter. Criteria: CeGaT Center For Human Genetics Tuebingen Variant Classification Criteria Version 2. Collection method: clinical testing. Allele origin: germline. Affected: yes. Observed: 1 variant allele.
Comment: LTBP1: PM2, BP4